The following is an entry in ClinVar:

ClinVar aggregate classification (germline): Uncertain significance (1 of 4 stars; one submission).

Submission:

Women's Health and Genetics/Laboratory Corporation of America, LabCorp
Classification: Uncertain significance. Last evaluated: 2026-01-06. Review status: criteria provided, single submitter. Criteria: LabCorp Variant Classification Summary - May 2015. Collection method: clinical testing. Allele origin: germline.
Comment: Variant summary: ABCA4 c.5068A>C (p.Met1690Leu) results in a conservative amino acid change in the encoded protein sequence. Algorithms developed to predict the effect of missense changes on protein structure and function are either unavailable or do not agree on the potential impact of this missense change. The variant was absent in 250294 control chromosomes. To our knowledge, no occurrence of c.5068A>C in individuals affected with ABCA4-related conditions and no experimental evidence demonstrating its impact on protein function have been reported. However, different variants affecting the same codon have been classified as pathogenic/likely pathogenic (e.g. c.5070G>A (p.Met1690Ile), c.5069T>G (p.Met1690Arg), c.5069T>C (p.Met1690Thr)) supporting the critical relevance of codon 1690 to ABCA4 protein function. No submitters have cited clinical-significance assessments for this variant to ClinVar. Based on the evidence outlined above, the variant was classified as VUS-possibly pathogenic.

NM_000350.3(ABCA4):c.5068A>C (p.Met1690Leu)

Gene: ABCA4 (ATP binding cassette subfamily A member 4; minus strand). Cytogenetic location: 1p22.1.
Variant type: single nucleotide variant.
Coding change: c.5068A>C on transcript NM_000350.3 (MANE Select); coding-DNA position 5068, A replaced by C.
Protein change: p.Met1690Leu; replaces methionine 1690 with leucine.
Molecular consequence: missense variant.
Genome position (GRCh38, 1-based): chr1:94,019,710, T>G on the plus strand (A>C on the coding strand, the complement: ABCA4 is on the minus strand). VCF-style: chr1-94019710-T-G. GRCh37 (hg19) VCF-style: chr1-94485266-T-G.
Other names: c.4846A>C, p.Met1616Leu (NM_001425324.1); short protein forms M1616L, M1690L.
Identifiers: ClinVar variation 4689609 (VCV004689609.1).
Genomic context (GRCh38, chr1:94,019,710, plus strand): 5'-TGGATTTGTTCACCCGCTCCTGGATCAAATAAAGGACAAAGCTGGCTGGGACGAAGGACA[T>G]GGAGAAAATCACGCAGATGGCAACCACAGCATCCACTGAAGTGGTCAGCCTGCAGCAGGG-3'
Protein context (NP_000341.2, residues 1680-1700): AVVAICVIFS[Met1690Leu]SFVPASFVLY